The following is an entry in ClinVar:

NM_000548.5(TSC2):c.4420A>C (p.Arg1474=)

Gene: TSC2 (TSC complex subunit 2; plus strand). Cytogenetic location: 16p13.3.
Variant type: single nucleotide variant.
Coding change: c.4420A>C on transcript NM_000548.5 (MANE Select); coding-DNA position 4420, A replaced by C.
Protein change: p.Arg1474=; no amino-acid change (arginine 1474 retained).
Molecular consequence: synonymous variant.
Genome position (GRCh38, 1-based): chr16:2,084,642, A>C. VCF-style: chr16-2084642-A-C. GRCh37 (hg19) VCF-style: chr16-2134643-A-C.
Other names: c.4219A>C, p.Arg1407= (NM_001077183.3); c.4351A>C, p.Arg1451= (NM_001114382.3); c.4111A>C, p.Arg1371= (NM_001318827.2); c.4075A>C, p.Arg1359= (NM_001318829.2); c.3688A>C, p.Arg1230= (NM_001318831.2); c.4252A>C, p.Arg1418= (NM_001318832.2); c.4222A>C, p.Arg1408= (NM_001363528.2); c.4288A>C, p.Arg1430= (NM_001370404.1); and 1 more.
Identifiers: ClinVar variation 824881 (VCV000824881.16), dbSNP rs766719443, ClinGen allele CA493043333.

ClinVar aggregate classification (germline): Benign/Likely benign. Review status: criteria provided, multiple submitters, no conflicts (2 of 4 stars). 4 submissions from 4 submitters: Benign (2); Likely benign (2). Last evaluated 2026-01-06.

Conditions:
Hereditary cancer-predisposing syndrome. Also called: Neoplastic Syndromes, Hereditary; Hereditary Cancer Syndrome; Hereditary neoplastic syndrome; Tumor predisposition. Identifiers: Orphanet 140162, MedGen C0027672, MeSH D009386, MONDO:0015356.
Tuberous sclerosis 2 (TSC2). Identifiers: Orphanet 805, MedGen C1860707, MONDO:0013199, OMIM 613254.

Submissions (4):

Labcorp Genetics (formerly Invitae), Labcorp
Classification: Likely benign for Tuberous sclerosis 2. Last evaluated: 2026-01-06. Review status: criteria provided, single submitter. Criteria: Invitae Variant Classification Sherloc (09022015). Collection method: clinical testing. Allele origin: germline.

Myriad Genetics, Inc.
Classification: Benign for Tuberous sclerosis 2. Last evaluated: 2025-06-03. Review status: criteria provided, single submitter. Criteria: Myriad Autosomal Dominant, Autosomal Recessive and X-Linked Classification Criteria (2023). Collection method: clinical testing. Allele origin: unknown.
Comment: This variant is considered benign. This variant is a silent/synonymous amino acid change and it is not expected to impact splicing.

Genome-Nilou Lab
Classification: Benign for Tuberous sclerosis 2. Last evaluated: 2021-11-07. Review status: criteria provided, single submitter. Criteria: ACMG Guidelines, 2015. Collection method: clinical testing. Allele origin: germline. Affected: no.

Ambry Genetics
Classification: Likely benign for Hereditary cancer-predisposing syndrome. Last evaluated: 2018-07-19. Review status: criteria provided, single submitter. Criteria: Ambry Variant Classification Scheme 2023. Collection method: clinical testing. Allele origin: germline.